The following is an entry in ClinVar:

ClinVar aggregate classification (germline): Uncertain significance. Review status: criteria provided, multiple submitters, no conflicts (2 of 4 stars). 2 submissions from 2 submitters: Uncertain significance (2). Last evaluated 2025-10-02.

Conditions:
Retinal dystrophy. Also called: Inherited retinal dystrophy. Identifiers: Orphanet 71862, MedGen C0854723, MeSH D058499, MONDO:0019118, HP:0000556.
Porokeratosis 3, disseminated superficial actinic type (POROK3). Also called: POROKERATOSIS 3, MULTIPLE TYPES; POROKERATOSIS 3, MIBELLI TYPE; POROKERATOSIS, DISSEMINATED SUPERFICIAL ACTINIC, 1. Identifiers: MedGen C1867981, MONDO:0008293, OMIM 175900.
Mevalonic aciduria (MEVA). Identifiers: Orphanet 29, MedGen C1959626, MONDO:0012481, OMIM 610377.
Hyperimmunoglobulin D with periodic fever (HIDS). Also called: HYPERIMMUNOGLOBULINEMIA D AND PERIODIC FEVER SYNDROME; Hyperimmunoglobulinemia D; Hyperimmunoglobulinemia D with periodic fever. Identifiers: Orphanet 343, MedGen C0398691, MONDO:0009849, OMIM 260920.

Allele frequency attached by ClinVar (database versions not stated): ExAC 0.00001; gnomAD 0.00001; gnomAD exomes 0.00001.
gnomAD v4.1: 17 of 1,614,088 alleles (0.0011%); highest among the groups gnomAD compares: East Asian, 0.029%; no homozygotes.

Submissions (2):

Labcorp Genetics (formerly Invitae), Labcorp
Classification: Uncertain significance for Mevalonic aciduria; Hyperimmunoglobulin D with periodic fever; Porokeratosis 3, disseminated superficial actinic type. Last evaluated: 2025-10-02. Review status: criteria provided, single submitter. Criteria: Invitae Variant Classification Sherloc (09022015). Collection method: clinical testing. Allele origin: germline.
Comment: This sequence change replaces alanine, which is neutral and non-polar, with valine, which is neutral and non-polar, at codon 245 of the MVK protein (p.Ala245Val). This variant is present in population databases (rs780907736, gnomAD 0.02%). This variant has not been reported in the literature in individuals affected with MVK-related conditions. ClinVar contains an entry for this variant (Variation ID: 3028274). Invitae Evidence Modeling of protein sequence and biophysical properties (such as structural, functional, and spatial information, amino acid conservation, physicochemical variation, residue mobility, and thermodynamic stability) has been performed for this missense variant. However, the output from this modeling did not meet the statistical confidence thresholds required to predict the impact of this variant on MVK protein function. In summary, the available evidence is currently insufficient to determine the role of this variant in disease. Therefore, it has been classified as a Variant of Uncertain Significance.

Dept Of Ophthalmology, Nagoya University
Classification: Uncertain significance for Retinal dystrophy. Last evaluated: 2023-10-01. Review status: criteria provided, single submitter. Criteria: Submitter's publication. Collection method: research. Allele origin: germline. Affected: yes.

NM_000431.4(MVK):c.734C>T (p.Ala245Val)

Gene: MVK (mevalonate kinase; plus strand). Cytogenetic location: 12q24.11.
Variant type: single nucleotide variant.
Coding change: c.734C>T on transcript NM_000431.4 (MANE Select); coding-DNA position 734, C replaced by T.
Protein change: p.Ala245Val; replaces alanine 245 with valine.
Molecular consequence: missense variant. On other transcripts: non-coding transcript variant (3).
Genome position (GRCh38, 1-based): chr12:109,590,827, C>T. VCF-style: chr12-109590827-C-T. GRCh37 (hg19) VCF-style: chr12-110028632-C-T.
Other names: c.734C>T, p.Ala245Val (NM_001114185.3, NM_001414511.1, NM_001414513.1); c.578C>T, p.Ala193Val (NM_001301182.2, NM_001414514.1); c.809C>T, p.Ala270Val (NM_001414512.1); c.152C>T, p.Ala51Val (NM_001414515.1); short protein forms A193V, A245V, A270V, A51V.
Identifiers: ClinVar variation 3028274 (VCV003028274.2), dbSNP rs780907736, ClinGen allele CA6779354.